The following is an entry in ClinVar:

ClinVar aggregate classification (germline): Likely benign (0 of 4 stars; one submission).

Conditions:
SH2B1-related disorder. Also called: SH2B1-related condition.

Allele frequency attached by ClinVar (database versions not stated): gnomAD exomes 0.00001; gnomAD 0.00002; ExAC 0.00003; TOPMed 0.00006.
gnomAD v4.1: 29 of 1,614,040 alleles (0.0018%); highest among the groups gnomAD compares: Admixed American, 0.032%; no homozygotes.

Submission:

PreventionGenetics, part of Exact Sciences
Classification: Likely benign for SH2B1-related condition. Last evaluated: 2021-07-01. Review status: no assertion criteria provided. Collection method: clinical testing. Allele origin: germline.
Comment: This variant is classified as likely benign based on ACMG/AMP sequence variant interpretation guidelines (Richards et al. 2015 PMID: 25741868, with internal and published modifications).

NM_001387430.1(SH2B1):c.1095G>A (p.Lys365=)

Gene: SH2B1 (SH2B adaptor protein 1; plus strand). Cytogenetic location: 16p11.2.
Variant type: single nucleotide variant.
Coding change: c.1095G>A on transcript NM_001387430.1 (MANE Select); coding-DNA position 1095, G replaced by A.
Protein change: p.Lys365=; no amino-acid change (lysine 365 retained).
Molecular consequence: synonymous variant.
Genome position (GRCh38, 1-based): chr16:28,869,059, G>A. VCF-style: chr16-28869059-G-A. GRCh37 (hg19) VCF-style: chr16-28880380-G-A.
Other names: c.1095G>A, p.Lys365= (NM_001145795.2, NM_001145796.2, NM_001145797.2 and 4 more transcripts); c.87G>A, p.Lys29= (NM_001308294.2).
Identifiers: ClinVar variation 3034862 (VCV003034862.2), dbSNP rs765899885, ClinGen allele CA7986093.